The following is an entry in ClinVar:

NM_005251.3(FOXC2):c.973del (p.Ala325fs)

Gene: FOXC2 (forkhead box C2; plus strand). Cytogenetic location: 16q24.1.
Variant type: Deletion.
Coding change: c.973del on transcript NM_005251.3 (MANE Select); coding-DNA position 973, one base deleted (G; older notation c.973delG).
Protein change: p.Ala325fs; shifts the reading frame from alanine 325.
Molecular consequence: frameshift variant.
Genome position (GRCh38, 1-based): chr16:86,568,308, G deleted; the last of 4 consecutive G bases (chr16:86,568,305-86,568,308); deleting any one gives the same sequence. VCF-style (leftmost placement, unchanged base first): chr16-86568304-CG-C. GRCh37 (hg19) VCF-style: chr16-86601910-CG-C.
Other names: short protein forms A325fs.
Identifiers: ClinVar variation 1032303 (VCV001032303.1), dbSNP rs1974229664, ClinGen allele CA624445820.

ClinVar aggregate classification (germline): Pathogenic (1 of 4 stars; one submission).

Conditions:
Distichiasis-lymphedema syndrome. Also called: LYMPHEDEMA WITH DISTICHIASIS. Identifiers: Orphanet 33001, MedGen C0265345, MONDO:0007922, OMIM 153400.

Submission:

Baylor Genetics
Classification: Pathogenic for Distichiasis-lymphedema syndrome. Last evaluated: 2018-07-12. Review status: criteria provided, single submitter. Criteria: ACMG Guidelines, 2015. Collection method: clinical testing. Allele origin: unknown. Affected: yes.
Comment: This variant was determined to be pathogenic according to ACMG Guidelines, 2015 [PMID:25741868].